The following is an entry in ClinVar:

NM_031935.3(HMCN1):c.5504A>G (p.Glu1835Gly)

Gene: HMCN1 (hemicentin 1; plus strand). Cytogenetic location: 1q31.1.
Variant type: single nucleotide variant.
Coding change: c.5504A>G on transcript NM_031935.3 (MANE Select); coding-DNA position 5504, A replaced by G.
Protein change: p.Glu1835Gly; replaces glutamic acid 1835 with glycine.
Molecular consequence: missense variant.
Genome position (GRCh38, 1-based): chr1:186,019,574, A>G. VCF-style: chr1-186019574-A-G. GRCh37 (hg19) VCF-style: chr1-185988706-A-G.
Other names: short protein forms E1835G.
Identifiers: ClinVar variation 1904319 (VCV001904319.5), dbSNP rs2527546209, ClinGen allele CA343892291.

ClinVar aggregate classification (germline): Uncertain significance (1 of 4 stars; one submission).

Submission:

Labcorp Genetics (formerly Invitae), Labcorp
Classification: Uncertain significance. Last evaluated: 2022-02-04. Review status: criteria provided, single submitter. Criteria: Invitae Variant Classification Sherloc (09022015). Collection method: clinical testing. Allele origin: germline.
Comment: This variant has not been reported in the literature in individuals affected with HMCN1-related conditions. Algorithms developed to predict the effect of missense changes on protein structure and function are either unavailable or do not agree on the potential impact of this missense change (SIFT: "Tolerated"; PolyPhen-2: "Probably Damaging"; Align-GVGD: "Class C0"). In summary, the available evidence is currently insufficient to determine the role of this variant in disease. Therefore, it has been classified as a Variant of Uncertain Significance. This sequence change replaces glutamic acid, which is acidic and polar, with glycine, which is neutral and non-polar, at codon 1835 of the HMCN1 protein (p.Glu1835Gly). This variant is not present in population databases (gnomAD no frequency).